The following is an entry in ClinVar:

NM_001164508.2(NEB):c.23596G>A (p.Gly7866Arg)

Genes: NEB (nebulin; minus strand), RIF1 (replication timing regulatory factor 1; plus strand). Cytogenetic location: 2q23.3.
Variant type: single nucleotide variant.
Coding change: c.23596G>A on transcript NM_001164508.2 (MANE Select); coding-DNA position 23596, G replaced by A.
Protein change: p.Gly7866Arg; replaces glycine 7866 with arginine.
Molecular consequence: missense variant.
Genome position (GRCh38, 1-based): chr2:151,506,219, C>T on the plus strand (G>A on the coding strand, the complement: NEB is on the minus strand). VCF-style: chr2-151506219-C-T. GRCh37 (hg19) VCF-style: chr2-152362733-C-T.
Other names: c.18493G>A (NM_004543.4); c.23596G>A, p.Gly7866Arg (NM_001164507.2); c.23701G>A, p.Gly7901Arg (NM_001271208.2); c.18493G>A, p.Gly6165Arg (NM_004543.5); short protein forms G7901R, G6165R, G7866R.
Identifiers: ClinVar variation 570894 (VCV000570894.8), dbSNP rs1480807112, ClinGen allele CA348783900.
Genomic context (GRCh38, chr2:151,506,219, plus strand): 5'-TCTTTACCGAGCTAATGTGGTCCTGTGTTTGTTTCACTCTCATCATCTCAGGTGTCTTTC[C>T]GATAGCCGTTCCTGGTGAGACATCCTCTTTATATAAAACCTGGGCATTCAGAATCAGGAC-3'
Protein context (NP_001157980.2, residues 7856-7876): KEDVSPGTAI[Gly7866Arg]KTPEMMRVKQ

ClinVar aggregate classification (germline): Uncertain significance. Review status: criteria provided, multiple submitters, no conflicts (2 of 4 stars). 3 submissions from 3 submitters: Uncertain significance (2). 1 of the submissions does not count toward it. Last evaluated 2025-07-02.

Conditions:
Nemaline myopathy 2 (NEM2). Also called: Nemaline myopathy 2, autosomal recessive. Identifiers: MedGen C1850569, MONDO:0009725, OMIM 256030.
Inborn genetic diseases. Identifiers: MedGen C0950123, MeSH D030342.

Allele frequency attached by ClinVar (database versions not stated): gnomAD 0.00001; gnomAD exomes 0.00001 and 0.00003; TOPMed 0.00004.

Submissions (3):

Ambry Genetics
Classification: Uncertain significance for Inborn genetic diseases. Last evaluated: 2025-07-02. Review status: criteria provided, single submitter. Criteria: Ambry Variant Classification Scheme 2023. Collection method: clinical testing. Allele origin: germline.

Labcorp Genetics (formerly Invitae), Labcorp
Classification: Uncertain significance for Nemaline myopathy 2. Last evaluated: 2022-03-29. Review status: criteria provided, single submitter. Criteria: Invitae Variant Classification Sherloc (09022015). Collection method: clinical testing. Allele origin: germline.
Comment: This sequence change replaces glycine, which is neutral and non-polar, with arginine, which is basic and polar, at codon 7901 of the NEB protein (p.Gly7901Arg). This variant is present in population databases (no rsID available, gnomAD 0.0009%). This variant has not been reported in the literature in individuals affected with NEB-related conditions. ClinVar contains an entry for this variant (Variation ID: 570894). Algorithms developed to predict the effect of missense changes on protein structure and function are either unavailable or do not agree on the potential impact of this missense change (SIFT: "Deleterious"; PolyPhen-2: "Not Available"; Align-GVGD: "Class C0"). In summary, the available evidence is currently insufficient to determine the role of this variant in disease. Therefore, it has been classified as a Variant of Uncertain Significance.

Natera, Inc.
Classification: Uncertain significance for Nemaline myopathy type 2. Last evaluated: 2019-11-11. Review status: no assertion criteria provided. Collection method: clinical testing. Allele origin: germline. Not counted in ClinVar's aggregate classification.